The following is an entry in ClinVar:

ClinVar aggregate classification (germline): Likely benign. Review status: criteria provided, multiple submitters, no conflicts (2 of 4 stars). 3 submissions from 3 submitters: Likely benign (3). Last evaluated 2026-04-27.

Allele frequency attached by ClinVar (database versions not stated): gnomAD 0.00010; TOPMed 0.00013; ESP Exome Variant Server 0.00015; 1000 Genomes Project 0.00040; 1000 Genomes Project 30x 0.00047.
gnomAD v4.1: 91 of 1,560,340 alleles (0.0058%); highest among the groups gnomAD compares: African/African-American, 0.03%; 1 homozygote.

Submissions (3):

Women's Health and Genetics/Laboratory Corporation of America, LabCorp
Classification: Likely benign. Last evaluated: 2026-04-27. Review status: criteria provided, single submitter. Criteria: LabCorp Variant Classification Summary - May 2015. Collection method: clinical testing. Allele origin: germline.
Comment: Variant summary: ELP1 c.3460+13G>A alters a non-conserved nucleotide located at a position not widely known to affect splicing. Consensus agreement among computation tools predict no significant impact on normal splicing. However, these predictions have yet to be confirmed by functional studies. The variant allele was found at a frequency of 5.9e-05 in 1553482 control chromosomes, predominantly at a frequency of 0.0003 within the African or African-American subpopulation in the gnomAD database, including 1 homozygote. This frequency is not significantly higher than estimated for disease-causing variants in ELP1, allowing no conclusion about variant significance. To our knowledge, no occurrence of c.3460+13G>A in individuals affected with ELP1-related conditions and no experimental evidence demonstrating its impact on protein function have been reported. ClinVar contains an entry for this variant (Variation ID: 514017). Based on the evidence outlined above, the variant was classified as likely benign.

Labcorp Genetics (formerly Invitae), Labcorp
Classification: Likely benign. Last evaluated: 2026-02-04. Review status: criteria provided, single submitter. Criteria: Invitae Variant Classification Sherloc (09022015). Collection method: clinical testing. Allele origin: germline.

GeneDx
Classification: Likely benign. Last evaluated: 2017-12-13. Review status: criteria provided, single submitter. Criteria: GeneDx Variant Classification (06012015). Collection method: clinical testing. Allele origin: germline. Affected: yes.
Comment: This variant is considered likely benign or benign based on one or more of the following criteria: it is a conservative change, it occurs at a poorly conserved position in the protein, it is predicted to be benign by multiple in silico algorithms, and/or has population frequency not consistent with disease.

NM_003640.5(ELP1):c.3460+13G>A

Gene: ELP1 (elongator acetyltransferase complex subunit 1; minus strand). Cytogenetic location: 9q31.3.
Variant type: single nucleotide variant.
Coding change: c.3460+13G>A on transcript NM_003640.5 (MANE Select); 13 bases into the intron after coding-DNA position 3460, G replaced by A.
Molecular consequence: intron variant.
Genome position (GRCh38, 1-based): chr9:108,880,039, C>T on the plus strand (G>A on the coding strand, the complement: ELP1 is on the minus strand). VCF-style: chr9-108880039-C-T. GRCh37 (hg19) VCF-style: chr9-111642319-C-T.
Other names: c.3460+13G>A (LRG_251t1); c.3118+13G>A (NM_001318360.2); c.2413+13G>A (NM_001330749.2).
Identifiers: ClinVar variation 514017 (VCV000514017.10), dbSNP rs149897637, ClinGen allele CA5174305.